The following is an entry in ClinVar:

NM_001318510.2(ACSL4):c.639A>C (p.Gly213=)

Gene: ACSL4 (acyl-CoA synthetase long chain family member 4; minus strand). Cytogenetic location: Xq23.
Variant type: single nucleotide variant.
Coding change: c.639A>C on transcript NM_001318510.2 (MANE Select); coding-DNA position 639, A replaced by C.
Protein change: p.Gly213=; no amino-acid change (glycine 213 retained).
Molecular consequence: synonymous variant.
Genome position (GRCh38, 1-based): chrX:109,681,014, T>G on the plus strand (A>C on the coding strand, the complement: ACSL4 is on the minus strand). VCF-style: chrX-109681014-T-G. GRCh37 (hg19) VCF-style: chrX-108924243-T-G.
Other names: c.762A>C, p.Gly254= (NM_001318509.2, NM_022977.3); c.639A>C, p.Gly213= (NM_004458.3).
Identifiers: ClinVar variation 703363 (VCV000703363.28), dbSNP rs370890935, ClinGen allele CA10491149.

ClinVar aggregate classification (germline): Likely benign. Review status: criteria provided, multiple submitters, no conflicts (2 of 4 stars). 2 submissions from 2 submitters: Likely benign (2). Last evaluated 2023-01-01.

Allele frequency attached by ClinVar (database versions not stated): ExAC 0.00002; gnomAD exomes 0.00004; gnomAD 0.00007 and 0.00010; ESP Exome Variant Server 0.00009; TOPMed 0.00009.
gnomAD v4.1: 59 of 1,209,441 alleles (0.0049%); highest among the groups gnomAD compares: Admixed American, 0.0087%; no homozygotes.

Submissions (2):

CeGaT Center for Human Genetics Tuebingen
Classification: Likely benign. Last evaluated: 2023-01-01. Review status: criteria provided, single submitter. Criteria: CeGaT Center For Human Genetics Tuebingen Variant Classification Criteria Version 2. Collection method: clinical testing. Allele origin: germline. Affected: yes. Observed: 1 variant allele.
Comment: ACSL4: BP4, BS2

Labcorp Genetics (formerly Invitae), Labcorp
Classification: Likely benign. Last evaluated: 2019-12-31. Review status: criteria provided, single submitter. Criteria: Invitae Variant Classification Sherloc (09022015). Collection method: clinical testing. Allele origin: germline.